The following is an entry in ClinVar:

NM_021614.4(KCNN2):c.354G>T (p.Ser118=)

Gene: KCNN2 (potassium calcium-activated channel subfamily N member 2; plus strand). Cytogenetic location: 5q22.3.
Variant type: single nucleotide variant.
Coding change: c.354G>T on transcript NM_021614.4 (MANE Select); coding-DNA position 354, G replaced by T.
Protein change: p.Ser118=; no amino-acid change (serine 118 retained).
Molecular consequence: synonymous variant. On other transcripts: non-coding transcript variant (1).
Genome position (GRCh38, 1-based): chr5:114,362,493, G>T. VCF-style: chr5-114362493-G-T. GRCh37 (hg19) VCF-style: chr5-113698190-G-T.
Other names: c.552G>T, p.Ser184= (NM_001372233.1).
Identifiers: ClinVar variation 2655643 (VCV002655643.24), dbSNP rs942248561, ClinGen allele CA125659887.

ClinVar aggregate classification (germline): Likely benign (1 of 4 stars; one submission).

Allele frequency attached by ClinVar (database versions not stated): gnomAD 0.00005; TOPMed 0.00005.
gnomAD v4.1: 34 of 456,292 alleles (0.0075%); highest among the groups gnomAD compares: Admixed American, 0.039%; no homozygotes.

Submission:

CeGaT Center for Human Genetics Tuebingen
Classification: Likely benign. Last evaluated: 2023-01-01. Review status: criteria provided, single submitter. Criteria: CeGaT Center For Human Genetics Tuebingen Variant Classification Criteria Version 2. Collection method: clinical testing. Allele origin: germline. Affected: yes. Observed: 2 variant alleles.
Comment: KCNN2: BP4, BP7